The following is an entry in ClinVar:

NM_001378120.1(MBD5):c.143del (p.Glu48fs)

Gene: MBD5 (methyl-CpG binding domain protein 5; plus strand). Cytogenetic location: 2q23.1.
Variant type: Deletion.
Coding change: c.143del on transcript NM_001378120.1 (MANE Select); coding-DNA position 143, one base deleted (A; older notation c.143delA).
Protein change: p.Glu48fs; shifts the reading frame from glutamic acid 48.
Molecular consequence: frameshift variant.
Genome position (GRCh38, 1-based): chr2:148,462,611, A deleted. VCF-style (leftmost placement, unchanged base first): chr2-148462610-GA-G. GRCh37 (hg19) VCF-style: chr2-149220179-GA-G.
Other names: c.143del, p.Glu48fs (NM_018328.5); short protein forms E48fs.
Identifiers: ClinVar variation 1425995 (VCV001425995.6), dbSNP rs2105571301, ClinGen allele CA2573133295.

ClinVar aggregate classification (germline): Pathogenic (1 of 4 stars; one submission).

Conditions:
Intellectual developmental disorder, autosomal dominant 1. Also called: Intellectual disability, autosomal dominant 1; MBD5 Haploinsufficiency. Identifiers: Orphanet 228402, MedGen C1969562, MONDO:0007974, OMIM 156200.

Submission:

Labcorp Genetics (formerly Invitae), Labcorp
Classification: Pathogenic for Intellectual developmental disorder, autosomal dominant 1. Last evaluated: 2022-06-13. Review status: criteria provided, single submitter. Criteria: Invitae Variant Classification Sherloc (09022015). Collection method: clinical testing. Allele origin: germline.
Comment: This sequence change creates a premature translational stop signal (p.Glu48Glyfs*35) in the MBD5 gene. It is expected to result in an absent or disrupted protein product. Loss-of-function variants in MBD5 are known to be pathogenic (PMID: 23422940, 23587880). This variant is not present in population databases (gnomAD no frequency). For these reasons, this variant has been classified as Pathogenic. Algorithms developed to predict the effect of sequence changes on RNA splicing suggest that this variant may disrupt the consensus splice site. This variant has not been reported in the literature in individuals affected with MBD5-related conditions.

Literature cited by the submitters: PubMed 23422940; PubMed 23587880.